The following is an entry in ClinVar:

NM_022124.6(CDH23):c.1417G>C (p.Val473Leu)

Gene: CDH23 (cadherin related 23; plus strand). Cytogenetic location: 10q22.1.
Variant type: single nucleotide variant.
Coding change: c.1417G>C on transcript NM_022124.6 (MANE Select); coding-DNA position 1417, G replaced by C.
Protein change: p.Val473Leu; replaces valine 473 with leucine.
Molecular consequence: missense variant.
Genome position (GRCh38, 1-based): chr10:71,646,585, G>C. VCF-style: chr10-71646585-G-C. GRCh37 (hg19) VCF-style: chr10-73406342-G-C.
Other names: c.1417G>C, p.Val473Leu (NM_001171930.2, NM_001171931.2, NM_052836.4); short protein forms V473L.
Identifiers: ClinVar variation 3365582 (VCV003365582.2).
Genomic context (GRCh38, chr10:71,646,585, plus strand): 5'-GAAAATGACAACCGGCCCATCTTCAGCCAGCCACTGTACAACATCAGCCTGTACGAGAAC[G>C]TCACCGTGGGGACCTCTGTGCTGACAGTCCTGGTGAGTCCCCGCTTCACTGCAGGGCCAC-3'
Protein context (NP_071407.4, residues 463-483): PLYNISLYEN[Val473Leu]TVGTSVLTVL

ClinVar aggregate classification (germline): Uncertain significance. Review status: criteria provided, multiple submitters, no conflicts (2 of 4 stars). 2 submissions from 2 submitters: Uncertain significance (2). Last evaluated 2026-01-12.

gnomAD v4.1: 12 of 1,613,874 alleles (0.00074%); highest among the groups gnomAD compares: African/African-American, 0.015%; no homozygotes.

Submissions (2):

Labcorp Genetics (formerly Invitae), Labcorp
Classification: Uncertain significance. Last evaluated: 2026-01-12. Review status: criteria provided, single submitter. Criteria: Invitae Variant Classification Sherloc (09022015). Collection method: clinical testing. Allele origin: germline.
Comment: This sequence change replaces valine, which is neutral and non-polar, with leucine, which is neutral and non-polar, at codon 473 of the CDH23 protein (p.Val473Leu). This variant is present in population databases (rs771847607, gnomAD 0.02%). This variant has not been reported in the literature in individuals affected with CDH23-related conditions. ClinVar contains an entry for this variant (Variation ID: 3365582). Invitae Evidence Modeling of protein sequence and biophysical properties (such as structural, functional, and spatial information, amino acid conservation, physicochemical variation, residue mobility, and thermodynamic stability) has been performed for this missense variant. However, the output from this modeling did not meet the statistical confidence thresholds required to predict the impact of this variant on CDH23 protein function. In summary, the available evidence is currently insufficient to determine the role of this variant in disease. Therefore, it has been classified as a Variant of Uncertain Significance.

GeneDx
Classification: Uncertain significance. Last evaluated: 2023-12-19. Review status: criteria provided, single submitter. Criteria: GeneDx Variant Classification Process June 2021. Collection method: clinical testing. Allele origin: germline. Affected: yes.
Comment: In silico analysis supports that this missense variant does not alter protein structure/function; Has not been previously published as pathogenic or benign to our knowledge